The following is an entry in ClinVar:

ClinVar aggregate classification (germline): Likely benign (1 of 4 stars; one submission).

Conditions:
Leigh syndrome (NULS). Also called: Leigh's necrotizing encephalopathy; Leigh's disease; Leigh Syndrome (mtDNA deletion); Leigh Disease; Subacute necrotizing encephalopathy; Necrotizing encephalopathy infantile subacute of Leigh. Identifiers: Orphanet 506, MedGen C2931891, MONDO:0009723, OMIM 256000.

Submission:

Wong Mito Lab, Molecular and Human Genetics, Baylor College of Medicine
Classification: Likely benign for Leigh syndrome. Last evaluated: 2019-10-17. Review status: criteria provided, single submitter. Criteria: Modified ACMG Guidelines (Unpublished). Collection method: clinical testing. Allele origin: germline.
Comment: The NC_012920.1:m.12674A>G (YP_003024036.1:p.Asn113Ser) variant in MTND5 gene is interpretated to be a Likely Benign variant based on the modified ACMG guidelines (unpublished). This variant meets the following evidence codes: BS1, BP6

NC_012920.1(MT-ND5):m.12674A>G (p.Asn113Ser)

Gene: MT-ND5 (mitochondrially encoded NADH dehydrogenase 5; plus strand).
Variant type: single nucleotide variant.
Genome position: chrM-12674-A-G.
Other names: short protein forms N113S.
Identifiers: ClinVar variation 693476 (VCV000693476.1), dbSNP rs1603223860, ClinGen allele CA414814313.